The following is an entry in ClinVar:

NM_017763.6(RNF43):c.2273C>T (p.Pro758Leu)

Gene: RNF43 (ring finger protein 43; minus strand). Cytogenetic location: 17q22.
Variant type: single nucleotide variant.
Coding change: c.2273C>T on transcript NM_017763.6 (MANE Select); coding-DNA position 2273, C replaced by T.
Protein change: p.Pro758Leu; replaces proline 758 with leucine.
Molecular consequence: missense variant.
Genome position (GRCh38, 1-based): chr17:58,357,503, G>A on the plus strand (C>T on the coding strand, the complement: RNF43 is on the minus strand). VCF-style: chr17-58357503-G-A. GRCh37 (hg19) VCF-style: chr17-56434864-G-A.
Other names: c.2273C>T, p.Pro758Leu (NM_001305544.3, NM_001438820.1, NM_001438821.1 and 1 more transcripts); c.1892C>T, p.Pro631Leu (NM_001305545.2, NM_001437987.1); short protein forms P631L, P758L.
Identifiers: ClinVar variation 4863424 (VCV004863424.1).

ClinVar aggregate classification (germline): Uncertain significance (1 of 4 stars; one submission).

Submission:

Ambry Genetics
Classification: Uncertain significance. Last evaluated: 2026-05-22. Review status: criteria provided, single submitter. Criteria: Ambry Variant Classification Scheme 2023. Collection method: clinical testing. Allele origin: germline.
Comment: The p.P758L variant (also known as c.2273C>T), located in coding exon 8 of the RNF43 gene, results from a C to T substitution at nucleotide position 2273. The proline at codon 758 is replaced by leucine, an amino acid with similar properties. This amino acid position is conserved. In addition, this alteration is predicted to be tolerated by in silico analysis. Based on the available evidence, the clinical significance of this variant remains unclear.